The following is an entry in ClinVar:

ClinVar aggregate classification (germline): Conflicting classifications of pathogenicity. Review status: criteria provided, conflicting classifications (1 of 4 stars). 4 submissions from 4 submitters: Uncertain significance (3); Likely benign (1). Last evaluated 2025-05-19.

Conditions:
Developmental and epileptic encephalopathy, 42 (DEE42A). Also called: DEVELOPMENTAL AND EPILEPTIC ENCEPHALOPATHY 42A; EPILEPTIC ENCEPHALOPATHY, EARLY INFANTILE, 42A; Epileptic encephalopathy, early infantile, 42. Identifiers: MedGen C4310716, MONDO:0014917, OMIM 617106.
Episodic ataxia type 2 (EA2). Also called: CEREBELLAR ATAXIA, PAROXYSMAL, ACETAZOLAMIDE-RESPONSIVE; CEREBELLOPATHY, HEREDITARY PAROXYSMAL; EPISODIC ATAXIA, NYSTAGMUS-ASSOCIATED; ACETAZOLAMIDE-RESPONSIVE HEREDITARY PAROXYSMAL CEREBELLAR ATAXIA; ATAXIA, EPISODIC, WITH NYSTAGMUS; ATAXIA, FAMILIAL PAROXYSMAL. Identifiers: Orphanet 97, MedGen C1720416, MONDO:0007163, OMIM 108500.
Inborn genetic diseases. Identifiers: MedGen C0950123, MeSH D030342.

Allele frequency attached by ClinVar (database versions not stated): ExAC 0.00002; gnomAD exomes 0.00004 and 0.00001; gnomAD 0.00001; ESP Exome Variant Server 0.00017; TOPMed 0.00003.
gnomAD v4.1: 58 of 1,571,714 alleles (0.0037%); highest among the groups gnomAD compares: Non-Finnish European, 0.0048%; no homozygotes.

Submissions (4):

Athena Diagnostics
Classification: Uncertain significance. Last evaluated: 2025-05-19. Review status: criteria provided, single submitter. Criteria: Athena Diagnostics Criteria. Collection method: clinical testing. Allele origin: unknown.
Comment: Available data are insufficient to determine the clinical significance of the variant at this time. The frequency of this variant in the general population is uninformative in assessment of its pathogenicity. Polyphen and MutationTaster predict this amino acid change may be benign.

Ambry Genetics
Classification: Likely benign for Inborn genetic diseases. Last evaluated: 2025-04-01. Review status: criteria provided, single submitter. Criteria: Ambry Variant Classification Scheme 2023. Collection method: clinical testing. Allele origin: germline.

Labcorp Genetics (formerly Invitae), Labcorp
Classification: Uncertain significance for Developmental and epileptic encephalopathy, 42; Episodic ataxia type 2. Last evaluated: 2024-10-30. Review status: criteria provided, single submitter. Criteria: Invitae Variant Classification Sherloc (09022015). Collection method: clinical testing. Allele origin: germline.
Comment: This sequence change replaces threonine, which is neutral and polar, with methionine, which is neutral and non-polar, at codon 1125 of the CACNA1A protein (p.Thr1125Met). The frequency data for this variant in the population databases is considered unreliable, as metrics indicate poor data quality at this position in the gnomAD database. This missense change has been observed in individual(s) with clinical features of CACNA1A-related conditions (internal data). ClinVar contains an entry for this variant (Variation ID: 1053531). Invitae Evidence Modeling of protein sequence and biophysical properties (such as structural, functional, and spatial information, amino acid conservation, physicochemical variation, residue mobility, and thermodynamic stability) indicates that this missense variant is not expected to disrupt CACNA1A protein function with a negative predictive value of 95%. In summary, the available evidence is currently insufficient to determine the role of this variant in disease. Therefore, it has been classified as a Variant of Uncertain Significance.

GeneDx
Classification: Uncertain significance. Last evaluated: 2024-08-15. Review status: criteria provided, single submitter. Criteria: GeneDx Variant Classification Process June 2021. Collection method: clinical testing. Allele origin: germline. Affected: yes.
Comment: Has not been previously published as pathogenic or benign to our knowledge; Not observed at significant frequency in large population cohorts (gnomAD); In silico analysis indicates that this missense variant does not alter protein structure/function

NM_001127222.2(CACNA1A):c.3371C>T (p.Thr1124Met)

Gene: CACNA1A (calcium voltage-gated channel subunit alpha1 A; minus strand). Cytogenetic location: 19p13.13.
Variant type: single nucleotide variant.
Coding change: c.3371C>T on transcript NM_001127222.2 (MANE Select); coding-DNA position 3371, C replaced by T.
Protein change: p.Thr1124Met; replaces threonine 1124 with methionine.
Molecular consequence: missense variant.
Genome position (GRCh38, 1-based): chr19:13,286,685, G>A on the plus strand (C>T on the coding strand, the complement: CACNA1A is on the minus strand). VCF-style: chr19-13286685-G-A. GRCh37 (hg19) VCF-style: chr19-13397499-G-A.
Other names: c.3374C>T (NM_000068.2, NM_001127221.1); c.3383C>T, p.Thr1128Met (NM_000068.4, NM_023035.3); c.3374C>T, p.Thr1125Met (NM_001127221.2, NM_001174080.2); short protein forms T1124M, T1125M, T1128M.
Identifiers: ClinVar variation 1053531 (VCV001053531.13), dbSNP rs374720207, ClinGen allele CA9240347.